The following is an entry in ClinVar:

NM_001164508.2(NEB):c.12280G>C (p.Asp4094His)

Gene: NEB (nebulin; minus strand). Cytogenetic location: 2q23.3.
Variant type: single nucleotide variant.
Coding change: c.12280G>C on transcript NM_001164508.2 (MANE Select); coding-DNA position 12280, G replaced by C.
Protein change: p.Asp4094His; replaces aspartic acid 4094 with histidine.
Molecular consequence: missense variant.
Genome position (GRCh38, 1-based): chr2:151,609,859, C>G on the plus strand (G>C on the coding strand, the complement: NEB is on the minus strand). VCF-style: chr2-151609859-C-G. GRCh37 (hg19) VCF-style: chr2-152466373-C-G.
Other names: c.12280G>C, p.Asp4094His (NM_001164507.2, NM_001271208.2); c.11551G>C, p.Asp3851His (NM_004543.5); c.11551G>C (NM_004543.4); short protein forms D3851H, D4094H.
Identifiers: ClinVar variation 1359808 (VCV001359808.6), dbSNP rs748607410, ClinGen allele CA1908555.

ClinVar aggregate classification (germline): Uncertain significance. Review status: criteria provided, multiple submitters, no conflicts (2 of 4 stars). 2 submissions from 2 submitters: Uncertain significance (2). Last evaluated 2023-04-05.

Conditions:
Nemaline myopathy 2 (NEM2). Also called: Nemaline myopathy 2, autosomal recessive. Identifiers: MedGen C1850569, MONDO:0009725, OMIM 256030.
Inborn genetic diseases. Identifiers: MedGen C0950123, MeSH D030342.

Allele frequency attached by ClinVar (database versions not stated): ExAC 0.00002; gnomAD exomes 0.00002.
gnomAD v4.1: 17 of 1,607,370 alleles (0.0011%); highest among the groups gnomAD compares: African/African-American, 0.012%; no homozygotes.

Submissions (2):

Ambry Genetics
Classification: Uncertain significance for Inborn genetic diseases. Last evaluated: 2023-04-05. Review status: criteria provided, single submitter. Criteria: Ambry Variant Classification Scheme 2023. Collection method: clinical testing. Allele origin: germline.

Labcorp Genetics (formerly Invitae), Labcorp
Classification: Uncertain significance for Nemaline myopathy 2. Last evaluated: 2021-09-24. Review status: criteria provided, single submitter. Criteria: Invitae Variant Classification Sherloc (09022015). Collection method: clinical testing. Allele origin: germline.
Comment: This sequence change replaces aspartic acid with histidine at codon 4094 of the NEB protein (p.Asp4094His). The aspartic acid residue is moderately conserved and there is a moderate physicochemical difference between aspartic acid and histidine. This variant is present in population databases (rs748607410, ExAC 0.01%). This variant has not been reported in the literature in individuals with NEB-related conditions. Algorithms developed to predict the effect of missense changes on protein structure and function are either unavailable or do not agree on the potential impact of this missense change (SIFT: "Deleterious"; PolyPhen-2: "Not Available"; Align-GVGD: "Class C0"). In summary, the available evidence is currently insufficient to determine the role of this variant in disease. Therefore, it has been classified as a Variant of Uncertain Significance.